The following is an entry in ClinVar:

ClinVar aggregate classification (germline): Uncertain significance. Review status: criteria provided, multiple submitters, no conflicts (2 of 4 stars). 4 submissions from 4 submitters: Uncertain significance (4). Last evaluated 2026-01-26.

Conditions:
Cardiovascular phenotype. Identifiers: MedGen CN230736.
Cardiomyopathy, familial hypertrophic 27. Identifiers: MedGen C4748014, MONDO:0054838, OMIM 618052.

Allele frequency attached by ClinVar (database versions not stated): gnomAD exomes below 0.00001; TOPMed 0.00001.
gnomAD v4.1: 4 of 1,613,654 alleles (0.00025%); highest among the groups gnomAD compares: East Asian, 0.0045%; 1 homozygote.

Submissions (4):

GeneDx
Classification: Uncertain significance. Last evaluated: 2026-01-26. Review status: criteria provided, single submitter. Criteria: GeneDx Variant Classification Process June 2021. Collection method: clinical testing. Allele origin: germline.
Comment: Has not been previously published as pathogenic or benign to our knowledge; Not observed at significant frequency in large population cohorts (gnomAD); In silico analysis suggests that this missense variant does not alter protein structure/function

Ambry Genetics
Classification: Uncertain significance for Cardiovascular phenotype. Last evaluated: 2025-03-31. Review status: criteria provided, single submitter. Criteria: Ambry Variant Classification Scheme 2023. Collection method: clinical testing. Allele origin: germline.
Comment: The p.L504M variant (also known as c.1510C>A), located in coding exon 5 of the ALPK3 gene, results from a C to A substitution at nucleotide position 1510. The leucine at codon 504 is replaced by methionine, an amino acid with highly similar properties. This amino acid position is conserved. In addition, this alteration is predicted to be tolerated by in silico analysis. Since supporting evidence is limited at this time, the clinical significance of this alteration remains unclear.

Labcorp Genetics (formerly Invitae), Labcorp
Classification: Uncertain significance. Last evaluated: 2024-06-29. Review status: criteria provided, single submitter. Criteria: Invitae Variant Classification Sherloc (09022015). Collection method: clinical testing. Allele origin: germline.
Comment: This sequence change replaces leucine, which is neutral and non-polar, with methionine, which is neutral and non-polar, at codon 504 of the ALPK3 protein (p.Leu504Met). This variant is not present in population databases (gnomAD no frequency). This variant has not been reported in the literature in individuals affected with ALPK3-related conditions. ClinVar contains an entry for this variant (Variation ID: 1774197). Advanced modeling of protein sequence and biophysical properties (such as structural, functional, and spatial information, amino acid conservation, physicochemical variation, residue mobility, and thermodynamic stability) performed at Invitae indicates that this missense variant is expected to disrupt ALPK3 protein function with a positive predictive value of 80%. In summary, the available evidence is currently insufficient to determine the role of this variant in disease. Therefore, it has been classified as a Variant of Uncertain Significance.

Clinical Genomics Laboratory, Stanford Medicine
Classification: Uncertain significance for Cardiomyopathy, familial hypertrophic 27. Last evaluated: 2021-05-07. Review status: criteria provided, single submitter. Criteria: ACMG Guidelines, 2015. Collection method: clinical testing. Allele origin: germline. Affected: yes. Observed: 1 heterozygote.
Comment: • The p.Leu504Met variant in the ALPK3 gene has not been previously reported in association with disease. • This variant was absent from large population databases, including the Genome Aggregation Database. • Computational tools predict that the p.Leu504Met variant does not impact protein function; however, the accuracy of in silico algorithms is limited. • These data were assessed using the ACMG/AMP variant interpretation guidelines. In summary, the significance of the p.Leu504Met variant is uncertain. Additional information is needed to resolve the significance of this variant. [ACMG evidence codes used: PM2; BP4]

NM_020778.5(ALPK3):c.904C>A (p.Leu302Met)

Gene: ALPK3 (alpha kinase 3; plus strand). Cytogenetic location: 15q25.3.
Variant type: single nucleotide variant.
Coding change: c.904C>A on transcript NM_020778.5 (MANE Select); coding-DNA position 904, C replaced by A.
Protein change: p.Leu302Met; replaces leucine 302 with methionine.
Molecular consequence: missense variant.
Genome position (GRCh38, 1-based): chr15:84,840,183, C>A. VCF-style: chr15-84840183-C-A. GRCh37 (hg19) VCF-style: chr15-85383414-C-A.
Other names: p.Leu504Met; short protein forms L302M.
Identifiers: ClinVar variation 1774197 (VCV001774197.11), dbSNP rs1032484949, ClinGen allele CA273665698.
Genomic context (GRCh38, chr15:84,840,183, plus strand): 5'-CCCGAGAATGGAGAGGACGGAGAGCATGGCTTGCTGACATACATCTGTGACGCCATGGAG[C>A]TGGGGCCTCAGAGAGCCCTCAAAGAGGAGAGTGGGGCCAAGAAGAAAAAGAAAGATGAGG-3'
Protein context (NP_065829.4, residues 292-312): LLTYICDAME[Leu302Met]GPQRALKEES